The following is an entry in ClinVar:

ClinVar aggregate classification (germline): Uncertain significance (1 of 4 stars; one submission).

Conditions:
Inborn genetic diseases. Identifiers: MedGen C0950123, MeSH D030342.

Submission:

Ambry Genetics
Classification: Uncertain significance for Inborn genetic diseases. Last evaluated: 2023-11-24. Review status: criteria provided, single submitter. Criteria: Ambry Variant Classification Scheme 2023. Collection method: clinical testing. Allele origin: germline.
Comment: The p.L442M variant (also known as c.1324C>A), located in coding exon 14 of the ERCC2 gene, results from a C to A substitution at nucleotide position 1324. The leucine at codon 442 is replaced by methionine, an amino acid with highly similar properties. This amino acid position is conserved. In addition, the in silico prediction for this alteration is inconclusive. Since supporting evidence is limited at this time, the clinical significance of this alteration remains unclear.

NM_000400.4(ERCC2):c.1324C>A (p.Leu442Met)

Gene: ERCC2 (ERCC excision repair 2, TFIIH core complex helicase subunit; minus strand). Cytogenetic location: 19q13.32.
Variant type: single nucleotide variant.
Coding change: c.1324C>A on transcript NM_000400.4 (MANE Select); coding-DNA position 1324, C replaced by A.
Protein change: p.Leu442Met; replaces leucine 442 with methionine.
Molecular consequence: missense variant.
Genome position (GRCh38, 1-based): chr19:45,357,527, G>T on the plus strand (C>A on the coding strand, the complement: ERCC2 is on the minus strand). VCF-style: chr19-45357527-G-T. GRCh37 (hg19) VCF-style: chr19-45860785-G-T.
Other names: short protein forms L442M.
Identifiers: ClinVar variation 3231635 (VCV003231635.1), dbSNP rs1256958112, ClinGen allele CA406367676.
Genomic context (GRCh38, chr19:45,357,527, plus strand): 5'-TCCTTACCCCAGATGTGATGATGACAGACTGGAAACGCTCAAATACGGGTTTGATGGCCA[G>T]CGAGGCGTCCATGCAGCTGGAGAGAGATGAGGGCAGTGAGGGCCCGGGGGGCTGGGCCCC-3'
Protein context (NP_000391.1, residues 432-452): ILHFSCMDAS[Leu442Met]AIKPVFERFQ